The following is an entry in ClinVar:

NM_000052.7(ATP7A):c.2513A>G (p.Asp838Gly)

Gene: ATP7A (ATPase copper transporting alpha; plus strand). Cytogenetic location: Xq21.1.
Variant type: single nucleotide variant.
Coding change: c.2513A>G on transcript NM_000052.7 (MANE Select); coding-DNA position 2513, A replaced by G.
Protein change: p.Asp838Gly; replaces aspartic acid 838 with glycine.
Molecular consequence: missense variant.
Genome position (GRCh38, 1-based): chrX:78,015,768, A>G. VCF-style: chrX-78015768-A-G. GRCh37 (hg19) VCF-style: chrX-77271265-A-G.
Other names: c.2279A>G, p.Asp760Gly (NM_001282224.2); c.2513A>G (NM_000052.4); short protein forms D838G, D760G.
Identifiers: ClinVar variation 642511 (VCV000642511.11), dbSNP rs1603386154, ClinGen allele CA413600808.
Genomic context (GRCh38, chrX:78,015,768, plus strand): 5'-TAGGAAGCATATTATCATGGTGCTTTTTATGTTAACTTATATCCAGTGAAGAACAAGTGG[A>G]TGTGGAACTTGTACAACGTGGAGATATCATTAAAGTAGTTCCAGGAGGCAAATTTCCAGT-3'
Protein context (NP_000043.4, residues 828-848): DNILLSEEQV[Asp838Gly]VELVQRGDII

ClinVar aggregate classification (germline): Uncertain significance. Review status: criteria provided, multiple submitters, no conflicts (2 of 4 stars). 2 submissions from 2 submitters: Uncertain significance (2). Last evaluated 2026-07-14.

Conditions:
Inborn genetic diseases. Identifiers: MedGen C0950123, MeSH D030342.
Menkes kinky-hair syndrome (MNK). Also called: Menkes Disease; Classic Menkes Disease; Copper transport disease. Identifiers: Orphanet 565, MedGen C0022716, MONDO:0010651, OMIM 309400.
X-linked distal spinal muscular atrophy type 3. Also called: ATP7A-Related Distal Motor Neuropathy; SPINAL MUSCULAR ATROPHY, DISTAL, X-LINKED RECESSIVE; NEURONOPATHY, DISTAL HEREDITARY MOTOR, X-LINKED; NEUROPATHY, DISTAL HEREDITARY MOTOR, X-LINKED. Identifiers: Orphanet 139557, MedGen C1845359, MONDO:0010338, OMIM 300489.
Cutis laxa, X-linked (OHS). Also called: EDS IX; Occipital horn syndrome. Identifiers: Orphanet 198, MedGen C0268353, MONDO:0010572, OMIM 304150.

gnomAD v4.1: 1 of 1,211,672 alleles (0.000083%); highest among the groups gnomAD compares: South Asian, 0.0018%; no homozygotes.

Submissions (2):

Ambry Genetics
Classification: Uncertain significance for Inborn genetic diseases. Last evaluated: 2026-07-14. Review status: criteria provided, single submitter. Criteria: Ambry Variant Classification Scheme 2023. Collection method: clinical testing. Allele origin: germline.

Labcorp Genetics (formerly Invitae), Labcorp
Classification: Uncertain significance for X-linked distal spinal muscular atrophy type 3; Cutis laxa, X-linked; Menkes kinky-hair syndrome. Last evaluated: 2025-12-03. Review status: criteria provided, single submitter. Criteria: Invitae Variant Classification Sherloc (09022015). Collection method: clinical testing. Allele origin: germline.
Comment: This sequence change replaces aspartic acid, which is acidic and polar, with glycine, which is neutral and non-polar, at codon 838 of the ATP7A protein (p.Asp838Gly). This variant is not present in population databases (gnomAD no frequency). This variant has not been reported in the literature in individuals affected with ATP7A-related conditions. ClinVar contains an entry for this variant (Variation ID: 642511). Invitae Evidence Modeling of protein sequence and biophysical properties (such as structural, functional, and spatial information, amino acid conservation, physicochemical variation, residue mobility, and thermodynamic stability) indicates that this missense variant is not expected to disrupt ATP7A protein function with a negative predictive value of 95%. In summary, the available evidence is currently insufficient to determine the role of this variant in disease. Therefore, it has been classified as a Variant of Uncertain Significance.